The following is an entry in ClinVar:

NM_032217.5(ANKRD17):c.1670G>T (p.Gly557Val)

Gene: ANKRD17 (ankyrin repeat domain 17; minus strand). Cytogenetic location: 4q13.3.
Variant type: single nucleotide variant.
Coding change: c.1670G>T on transcript NM_032217.5 (MANE Select); coding-DNA position 1670, G replaced by T.
Protein change: p.Gly557Val; replaces glycine 557 with valine.
Molecular consequence: missense variant.
Genome position (GRCh38, 1-based): chr4:73,147,330, C>A on the plus strand (G>T on the coding strand, the complement: ANKRD17 is on the minus strand). VCF-style: chr4-73147330-C-A. GRCh37 (hg19) VCF-style: chr4-74013047-C-A.
Other names: c.1331G>T, p.Gly444Val (NM_001286771.3); c.1670G>T, p.Gly557Val (NM_015574.2, NM_198889.3); short protein forms G444V, G557V.
Identifiers: ClinVar variation 3764451 (VCV003764451.1).

ClinVar aggregate classification (germline): Uncertain significance (1 of 4 stars; one submission).

Submission:

GeneDx
Classification: Uncertain significance. Last evaluated: 2024-08-21. Review status: criteria provided, single submitter. Criteria: GeneDx Variant Classification Process June 2021. Collection method: clinical testing. Allele origin: germline. Affected: yes.
Comment: Not observed at significant frequency in large population cohorts (gnomAD); In silico analysis supports that this missense variant has a deleterious effect on protein structure/function; Has not been previously published as pathogenic or benign to our knowledge